The following is an entry in ClinVar:

NM_024642.5(GALNT12):c.532A>G (p.Ser178Gly)

Gene: GALNT12 (polypeptide N-acetylgalactosaminyltransferase 12; plus strand). Cytogenetic location: 9q22.33.
Variant type: single nucleotide variant.
Coding change: c.532A>G on transcript NM_024642.5 (MANE Select); coding-DNA position 532, A replaced by G.
Protein change: p.Ser178Gly; replaces serine 178 with glycine.
Molecular consequence: missense variant.
Genome position (GRCh38, 1-based): chr9:98,823,416, A>G. VCF-style: chr9-98823416-A-G. GRCh37 (hg19) VCF-style: chr9-101585698-A-G.
Other names: short protein forms S178G.
Identifiers: ClinVar variation 1402410 (VCV001402410.11), dbSNP rs1835790432, ClinGen allele CA374216898.

ClinVar aggregate classification (germline): Uncertain significance. Review status: criteria provided, multiple submitters, no conflicts (2 of 4 stars). 2 submissions from 2 submitters: Uncertain significance (2). Last evaluated 2025-08-19.

Allele frequency attached by ClinVar (database versions not stated): TOPMed below 0.00001.

Submissions (2):

Ambry Genetics
Classification: Uncertain significance. Last evaluated: 2025-08-19. Review status: criteria provided, single submitter. Criteria: Ambry Variant Classification Scheme 2023. Collection method: clinical testing. Allele origin: germline.
Comment: The p.S178G variant (also known as c.532A>G), located in coding exon 2 of the GALNT12 gene, results from an A to G substitution at nucleotide position 532. The serine at codon 178 is replaced by glycine, an amino acid with similar properties. This amino acid position is conserved. In addition, this alteration is predicted to be deleterious by in silico analysis. Since supporting evidence is limited at this time, the clinical significance of this alteration remains unclear.

Labcorp Genetics (formerly Invitae), Labcorp
Classification: Uncertain significance. Last evaluated: 2020-11-10. Review status: criteria provided, single submitter. Criteria: Invitae Variant Classification Sherloc (09022015). Collection method: clinical testing. Allele origin: germline.
Comment: Algorithms developed to predict the effect of missense changes on protein structure and function are either unavailable or do not agree on the potential impact of this missense change (SIFT: "Deleterious"; PolyPhen-2: "Possibly Damaging"; Align-GVGD: "Class C0"). In summary, the available evidence is currently insufficient to determine the role of this variant in disease. Therefore, it has been classified as a Variant of Uncertain Significance. This sequence change replaces serine with glycine at codon 178 of the GALNT12 protein (p.Ser178Gly). The serine residue is highly conserved and there is a small physicochemical difference between serine and glycine. This variant is not present in population databases (ExAC no frequency). This variant has not been reported in the literature in individuals with GALNT12-related conditions.